The following is an entry in ClinVar:

ClinVar aggregate classification (germline): Uncertain significance (1 of 4 stars; one submission).

Conditions:
Myopathy, proximal, and ophthalmoplegia (CMYO6). Also called: MYOPATHY WITH CONGENITAL JOINT CONTRACTURES, OPHTHALMOPLEGIA, AND RIMMED VACUOLES; INCLUSION BODY MYOPATHY 3, AUTOSOMAL DOMINANT; CONGENITAL MYOPATHY 6 WITH OPHTHALMOPLEGIA. Identifiers: Orphanet 363677, Orphanet 79091, MedGen C1854106, MONDO:0011577, OMIM 605637.

Allele frequency attached by ClinVar (database versions not stated): gnomAD exomes below 0.00001.
gnomAD v4.1: 4 of 1,613,920 alleles (0.00025%); highest among the groups gnomAD compares: Non-Finnish European, 0.00034%; no homozygotes.

Submission:

Labcorp Genetics (formerly Invitae), Labcorp
Classification: Uncertain significance for Myopathy, proximal, and ophthalmoplegia. Last evaluated: 2023-01-04. Review status: criteria provided, single submitter. Criteria: Invitae Variant Classification Sherloc (09022015). Collection method: clinical testing. Allele origin: germline.
Comment: In summary, the available evidence is currently insufficient to determine the role of this variant in disease. Therefore, it has been classified as a Variant of Uncertain Significance. Advanced modeling of protein sequence and biophysical properties (such as structural, functional, and spatial information, amino acid conservation, physicochemical variation, residue mobility, and thermodynamic stability) performed at Invitae indicates that this missense variant is not expected to disrupt MYH2 protein function. This variant has not been reported in the literature in individuals affected with MYH2-related conditions. This variant is present in population databases (no rsID available, gnomAD 0.0009%). This sequence change replaces asparagine, which is neutral and polar, with serine, which is neutral and polar, at codon 1866 of the MYH2 protein (p.Asn1866Ser).

NM_017534.6(MYH2):c.5597A>G (p.Asn1866Ser)

Genes: MYH2 (myosin heavy chain 2; minus strand), MYHAS (myosin heavy chain gene cluster antisense RNA; plus strand). Cytogenetic location: 17p13.1.
Variant type: single nucleotide variant.
Coding change: c.5597A>G on transcript NM_017534.6 (MANE Select); coding-DNA position 5597, A replaced by G.
Protein change: p.Asn1866Ser; replaces asparagine 1866 with serine.
Molecular consequence: missense variant.
Genome position (GRCh38, 1-based): chr17:10,523,166, T>C on the plus strand (A>G on the coding strand, the complement: MYH2 is on the minus strand). VCF-style: chr17-10523166-T-C. GRCh37 (hg19) VCF-style: chr17-10426483-T-C.
Other names: c.5597A>G, p.Asn1866Ser (NM_001100112.2); short protein forms N1866S.
Identifiers: ClinVar variation 2872632 (VCV002872632.3), dbSNP rs1466008889, ClinGen allele CA398114206.
Genomic context (GRCh38, chr17:10,523,166, plus strand): 5'-CTCTTATAAGATTTCACTTTTGCCTGAAGTTTATCTACCAAATCTTGAAGCCTGAGAATA[T>C]TCTTTCTATCTTCTTCCGTCTGAAAGATTATAAAAAGTCCAGGACCTTAATTACTAAAGC-3'
Protein context (NP_060004.3, residues 1856-1876): LTYQTEEDRK[Asn1866Ser]ILRLQDLVDK